The following is an entry in ClinVar:

NM_012123.4(MTO1):c.520A>G (p.Ser174Gly)

Gene: MTO1 (mitochondrial tRNA translation optimization 1; plus strand). Cytogenetic location: 6q13.
Variant type: single nucleotide variant.
Coding change: c.520A>G on transcript NM_012123.4 (MANE Select); coding-DNA position 520, A replaced by G.
Protein change: p.Ser174Gly; replaces serine 174 with glycine.
Molecular consequence: missense variant.
Genome position (GRCh38, 1-based): chr6:73,466,591, A>G. VCF-style: chr6-73466591-A-G. GRCh37 (hg19) VCF-style: chr6-74176314-A-G.
Other names: c.520A>G, p.Ser174Gly (NM_001123226.2, NM_133645.3); short protein forms S174G.
Identifiers: ClinVar variation 1363720 (VCV001363720.3), dbSNP rs564804488, ClinGen allele CA3889366.

ClinVar aggregate classification (germline): Uncertain significance (1 of 4 stars; one submission).

Conditions:
Mitochondrial hypertrophic cardiomyopathy with lactic acidosis due to MTO1 deficiency. Also called: CARDIOMYOPATHY, INFANTILE HYPERTROPHIC MITOCHONDRIAL, AND LACTIC ACIDOSIS; Combined oxidative phosphorylation deficiency 10. Identifiers: Orphanet 314637, MedGen C4749921, MONDO:0013865, OMIM 614702.

Allele frequency attached by ClinVar (database versions not stated): ExAC 0.00003; gnomAD 0.00005 and 0.00007; TOPMed 0.00005; 1000 Genomes Project 30x 0.00047; 1000 Genomes Project 0.00060.
gnomAD v4.1: 15 of 1,613,994 alleles (0.00093%); highest among the groups gnomAD compares: African/African-American, 0.015%; no homozygotes.

Submission:

Labcorp Genetics (formerly Invitae), Labcorp
Classification: Uncertain significance for Mitochondrial hypertrophic cardiomyopathy with lactic acidosis due to MTO1 deficiency. Last evaluated: 2022-08-09. Review status: criteria provided, single submitter. Criteria: Invitae Variant Classification Sherloc (09022015). Collection method: clinical testing. Allele origin: germline.
Comment: This sequence change replaces serine, which is neutral and polar, with glycine, which is neutral and non-polar, at codon 174 of the MTO1 protein (p.Ser174Gly). This variant is present in population databases (rs564804488, gnomAD 0.03%). This variant has not been reported in the literature in individuals affected with MTO1-related conditions. ClinVar contains an entry for this variant (Variation ID: 1363720). Algorithms developed to predict the effect of missense changes on protein structure and function (SIFT, PolyPhen-2, Align-GVGD) all suggest that this variant is likely to be tolerated. In summary, the available evidence is currently insufficient to determine the role of this variant in disease. Therefore, it has been classified as a Variant of Uncertain Significance.